The following is an entry in ClinVar:

NM_001033855.3(DCLRE1C):c.554G>A (p.Gly185Glu)

Gene: DCLRE1C (DNA cross-link repair 1C; minus strand). Cytogenetic location: 10p13.
Variant type: single nucleotide variant.
Coding change: c.554G>A on transcript NM_001033855.3 (MANE Select); coding-DNA position 554, G replaced by A.
Protein change: p.Gly185Glu; replaces glycine 185 with glutamic acid.
Molecular consequence: missense variant. On other transcripts: non-coding transcript variant (4).
Genome position (GRCh38, 1-based): chr10:14,934,504, C>T on the plus strand (G>A on the coding strand, the complement: DCLRE1C is on the minus strand). VCF-style: chr10-14934504-C-T. GRCh37 (hg19) VCF-style: chr10-14976503-C-T.
Other names: NM_001033855.3(DCLRE1C):c.554G>A; p.Gly185Glu; c.194G>A, p.Gly65Glu (NM_001033857.3, NM_001033858.3, NM_001289077.2 and 2 more transcripts); c.209G>A, p.Gly70Glu (NM_001289076.2, NM_001289078.2, NM_001350966.2 and 1 more transcripts); c.554G>A, p.Gly185Glu (NM_001350965.2); short protein forms G185E, G65E, G70E.
Identifiers: ClinVar variation 1022921 (VCV001022921.3), dbSNP rs1336396486, ClinGen allele CA376059636.

ClinVar aggregate classification (germline): Uncertain significance. Review status: reviewed by expert panel (3 of 4 stars). 3 submissions from 3 submitters: Uncertain significance (1). 2 of the submissions do not count toward it. Last evaluated 2024-06-13.

Conditions:
Athabaskan severe combined immunodeficiency (SCIDA). Also called: Severe combined immunodeficiency, athabascan-type. Identifiers: MedGen C1865370.
Severe combined immunodeficiency due to DCLRE1C deficiency (RS-SCID). Also called: SCID, AUTOSOMAL RECESSIVE, T CELL-NEGATIVE, B CELL-NEGATIVE, NK CELL-POSITIVE, WITH SENSITIVITY TO IONIZING RADIATION. Identifiers: Orphanet 275, MedGen C1865371, MONDO:0011225, OMIM 602450.

Allele frequency attached by ClinVar (database versions not stated): gnomAD 0.00001.
gnomAD v4.1: 6 of 1,614,030 alleles (0.00037%); highest among the groups gnomAD compares: African/African-American, 0.004%; no homozygotes.

Submissions (3):

ClinGen Severe Combined Immunodeficiency Variant Curation Expert Panel, ClinGen
Classification: Uncertain significance for Severe combined immunodeficiency due to DCLRE1C deficiency. Last evaluated: 2024-06-13. Review status: reviewed by expert panel. Criteria: ClinGen SCID ACMG Specifications DCLRE1C V1.0.0. Collection method: curation. Allele origin: germline. Inheritance: Autosomal recessive inheritance.
Comment: The c.554G>A (NM_001033855.3) variant in DCLRE1C is a missense variant predicted to cause the substitution of Glycine by Glutamic Acid at amino acid 185 (p.Gly185Glu). The filtering allele frequency (the upper threshold of the 95% CI of 3/74902 alleles) of the c.554G>A variant in DCLRE1C is 0.00001064 for African/African American chromosomes by gnomAD v4, which is lower than the ClinGen SCID VCEP threshold (<0.00003266) for PM2_Supporting, and therefore meets this criterion (PM2_Supporting). No homozygotes have been observed in gnomAD. To our knowledge, this variant has not been reported in the literature in individuals affected with SCID/DCLRE1C-related conditions or in functional studies. In summary, this variant meets the criteria to be classified as a variant of uncertain significance for autosomal recessive severe combined immunodeficiency due to DCLRE1C deficiency based on the ACMG/AMP criteria applied, as specified by the ClinGen SCID VCEP: PM2_Supporting (VCEP specifications version 1).

Labcorp Genetics (formerly Invitae), Labcorp
Classification: Uncertain significance for Athabaskan severe combined immunodeficiency. Last evaluated: 2022-04-17. Review status: criteria provided, single submitter. Criteria: Invitae Variant Classification Sherloc (09022015). Collection method: clinical testing. Allele origin: germline. Not counted in ClinVar's aggregate classification.
Comment: This sequence change replaces glycine, which is neutral and non-polar, with glutamic acid, which is acidic and polar, at codon 185 of the DCLRE1C protein (p.Gly185Glu). This variant is present in population databases (no rsID available, gnomAD 0.007%). This variant has not been reported in the literature in individuals affected with DCLRE1C-related conditions. ClinVar contains an entry for this variant (Variation ID: 1022921). Algorithms developed to predict the effect of missense changes on protein structure and function are either unavailable or do not agree on the potential impact of this missense change (SIFT: "Tolerated"; PolyPhen-2: "Probably Damaging"; Align-GVGD: "Class C0"). In summary, the available evidence is currently insufficient to determine the role of this variant in disease. Therefore, it has been classified as a Variant of Uncertain Significance.

Natera, Inc.
Classification: Uncertain significance for Athabascan severe combined immunodeficiency. Last evaluated: 2021-08-30. Review status: no assertion criteria provided. Collection method: clinical testing. Allele origin: germline. Not counted in ClinVar's aggregate classification.